The following is an entry in ClinVar:

NM_001972.4(ELANE):c.83C>G (p.Ser28Trp)

Gene: ELANE (elastase, neutrophil expressed; plus strand). Cytogenetic location: 19p13.3.
Variant type: single nucleotide variant.
Coding change: c.83C>G on transcript NM_001972.4 (MANE Select); coding-DNA position 83, C replaced by G.
Protein change: p.Ser28Trp; replaces serine 28 with tryptophan.
Molecular consequence: missense variant.
Genome position (GRCh38, 1-based): chr19:852,891, C>G. VCF-style: chr19-852891-C-G. GRCh37 (hg19) VCF-style: chr19-852891-C-G.
Other names: short protein forms S28W.
Identifiers: ClinVar variation 4248083 (VCV004248083.1).
Genomic context (GRCh38, chr19:852,891, plus strand): 5'-GGCTCCTTGGCAGGCACTCAGCACCCGCACCCGGTGTGTCCCCAGGCACCGCGCTGGCCT[C>G]GGAGATTGTGGGGGGCCGGCGAGCGCGGCCCCACGCGTGGCCCTTCATGGTGTCCCTGCA-3'
Protein context (NP_001963.1, residues 18-38): ALLLGGTALA[Ser28Trp]EIVGGRRARP

ClinVar aggregate classification (germline): Uncertain significance (1 of 4 stars; one submission).

Conditions:
Inborn genetic diseases. Identifiers: MedGen C0950123, MeSH D030342.

Submission:

Ambry Genetics
Classification: Uncertain significance for Inborn genetic diseases. Last evaluated: 2025-08-15. Review status: criteria provided, single submitter. Criteria: Ambry Variant Classification Scheme 2023. Collection method: clinical testing. Allele origin: germline.
Comment: The p.S28W variant (also known as c.83C>G), located in coding exon 2 of the ELANE gene, results from a C to G substitution at nucleotide position 83. The serine at codon 28 is replaced by tryptophan, an amino acid with highly dissimilar properties. This amino acid position is conserved. In addition, the in silico prediction for this alteration is inconclusive. Based on the available evidence, the clinical significance of this variant remains unclear.